The following is an entry in ClinVar:

NM_014974.3(DIP2C):c.4652A>T (p.Tyr1551Phe)

Gene: DIP2C (disco interacting protein 2 homolog C; minus strand). Cytogenetic location: 10p15.3.
Variant type: single nucleotide variant.
Coding change: c.4652A>T on transcript NM_014974.3 (MANE Select); coding-DNA position 4652, A replaced by T.
Protein change: p.Tyr1551Phe; replaces tyrosine 1551 with phenylalanine.
Molecular consequence: missense variant.
Genome position (GRCh38, 1-based): chr10:277,344, T>A on the plus strand (A>T on the coding strand, the complement: DIP2C is on the minus strand). VCF-style: chr10-277344-T-A. GRCh37 (hg19) VCF-style: chr10-323284-T-A.
Other names: short protein forms Y1551F.
Identifiers: ClinVar variation 3367598 (VCV003367598.1).

ClinVar aggregate classification (germline): Uncertain significance (1 of 4 stars; one submission).

Submission:

GeneDx
Classification: Uncertain significance. Last evaluated: 2024-01-08. Review status: criteria provided, single submitter. Criteria: GeneDx Variant Classification Process June 2021. Collection method: clinical testing. Allele origin: germline. Affected: yes.
Comment: Not observed at significant frequency in large population cohorts (gnomAD); In silico analysis supports that this missense variant has a deleterious effect on protein structure/function; Has not been previously published as pathogenic or benign to our knowledge; Variants in candidate genes are classified as variants of uncertain significance in accordance with ACMG guidelines (PMID: 25741868)